The following is an entry in ClinVar:

NM_001270974.2(HYDIN):c.2701G>A (p.Gly901Arg)

Gene: HYDIN (HYDIN axonemal central pair apparatus protein; minus strand). Cytogenetic location: 16q22.2.
Variant type: single nucleotide variant.
Coding change: c.2701G>A on transcript NM_001270974.2 (MANE Select); coding-DNA position 2701, G replaced by A.
Protein change: p.Gly901Arg; replaces glycine 901 with arginine.
Molecular consequence: missense variant.
Genome position (GRCh38, 1-based): chr16:71,031,746, C>T on the plus strand (G>A on the coding strand, the complement: HYDIN is on the minus strand). VCF-style: chr16-71031746-C-T. GRCh37 (hg19) VCF-style: chr16-71065649-C-T.
Other names: c.2782G>A, p.Gly928Arg (NM_001198542.1); c.2752G>A, p.Gly918Arg (NM_001198543.1); c.2701G>A, p.Gly901Arg (NM_017558.5); short protein forms G901R, G918R, G928R.
Identifiers: ClinVar variation 4855200 (VCV004855200.1).

ClinVar aggregate classification (germline): Uncertain significance (1 of 4 stars; one submission).

Conditions:
Primary ciliary dyskinesia 5. Also called: CILIARY DYSKINESIA, PRIMARY, 5, WITHOUT SITUS INVERSUS. Identifiers: Orphanet 244, MedGen C1837615, MONDO:0012088, OMIM 608647.

Submission:

3billion
Classification: Uncertain significance for Primary ciliary dyskinesia 5. Last evaluated: 2025-05-09. Review status: criteria provided, single submitter. Criteria: ACMG Guidelines, 2015. Collection method: clinical testing. Allele origin: germline. Affected: yes.
Comment: The variant is observed at an extremely low frequency in the gnomAD v4.1.0 dataset (total allele frequency: <0.001%). Predicted Consequence/Location: Missense variant. The majority of the known disease-causing variants of this gene are variants expected to result in premature termination of the protein. Damaging effect on gene or gene product predicted by in silico programs is uncertain [REVEL: 0.52 (damaging >=0.6, benign <0.4), 3Cnet: 0.08 (damaging >0.75, benign <0.1)]. Different missense changes at the same codon have been reported as of uncertain significance (ClinVar ID: VCV003027485). Therefore, this variant is classified as VUS according to the recommendation of ACMG/AMP guideline.